The following is an entry in ClinVar:

NM_031483.7(ITCH):c.523G>A (p.Val175Met)

Gene: ITCH (itchy E3 ubiquitin protein ligase; plus strand). Cytogenetic location: 20q11.22.
Variant type: single nucleotide variant.
Coding change: c.523G>A on transcript NM_031483.7 (MANE Select); coding-DNA position 523, G replaced by A.
Protein change: p.Val175Met; replaces valine 175 with methionine.
Molecular consequence: missense variant.
Genome position (GRCh38, 1-based): chr20:34,438,475, G>A. VCF-style: chr20-34438475-G-A. GRCh37 (hg19) VCF-style: chr20-33026280-G-A.
Other names: c.646G>A, p.Val216Met (NM_001257137.3, NM_001324197.2); c.193G>A, p.Val65Met (NM_001257138.3); c.523G>A, p.Val175Met (NM_001324198.2); c.523G>A (NM_031483.4); short protein forms V216M, V175M, V65M.
Identifiers: ClinVar variation 969737 (VCV000969737.8), dbSNP rs539049941, ClinGen allele CA9821369.

ClinVar aggregate classification (germline): Uncertain significance. Review status: criteria provided, multiple submitters, no conflicts (2 of 4 stars). 2 submissions from 2 submitters: Uncertain significance (2). Last evaluated 2025-12-03.

Conditions:
Inborn genetic diseases. Identifiers: MedGen C0950123, MeSH D030342.
Syndromic multisystem autoimmune disease due to ITCH deficiency. Also called: AUTOIMMUNE DISEASE, MULTISYSTEM, WITH FACIAL DYSMORPHISM. Identifiers: Orphanet 228426, MedGen C3150649, MONDO:0013245, OMIM 613385.

Allele frequency attached by ClinVar (database versions not stated): gnomAD 0.00004 and 0.00006; gnomAD exomes 0.00004; TOPMed 0.00006; 1000 Genomes Project 0.00040; ExAC 0.00007; 1000 Genomes Project 30x 0.00031.
gnomAD v4.1: 120 of 1,613,734 alleles (0.0074%); highest among the groups gnomAD compares: Non-Finnish European, 0.0092%; no homozygotes.

Submissions (2):

Labcorp Genetics (formerly Invitae), Labcorp
Classification: Uncertain significance for Syndromic multisystem autoimmune disease due to ITCH deficiency. Last evaluated: 2025-12-03. Review status: criteria provided, single submitter. Criteria: Invitae Variant Classification Sherloc (09022015). Collection method: clinical testing. Allele origin: germline.
Comment: This sequence change replaces valine, which is neutral and non-polar, with methionine, which is neutral and non-polar, at codon 175 of the ITCH protein (p.Val175Met). This variant is present in population databases (rs539049941, gnomAD 0.008%). This variant has not been reported in the literature in individuals affected with ITCH-related conditions. ClinVar contains an entry for this variant (Variation ID: 969737). An algorithm developed to predict the effect of missense changes on protein structure and function (PolyPhen-2) suggests that this variant is likely to be tolerated. In summary, the available evidence is currently insufficient to determine the role of this variant in disease. Therefore, it has been classified as a Variant of Uncertain Significance.

Ambry Genetics
Classification: Uncertain significance for Inborn genetic diseases. Last evaluated: 2024-10-25. Review status: criteria provided, single submitter. Criteria: Ambry Variant Classification Scheme 2023. Collection method: clinical testing. Allele origin: germline.